The following is an entry in ClinVar:

ClinVar aggregate classification (germline): Benign/Likely benign. Review status: criteria provided, multiple submitters, no conflicts (2 of 4 stars). 4 submissions from 4 submitters: Benign (2); Likely benign (1). 1 of the submissions does not count toward it. Last evaluated 2026-01-15.

Conditions:
APPL1-related disorder. Also called: APPL1-related condition.
Maturity-onset diabetes of the young type 14. Also called: MODY 14. Identifiers: Orphanet 552, MedGen C4225299, MONDO:0014674, OMIM 616511.

Allele frequency attached by ClinVar (database versions not stated): ESP Exome Variant Server 0.00202; 1000 Genomes Project 30x 0.00250; 1000 Genomes Project 0.00260.

Submissions (4):

Labcorp Genetics (formerly Invitae), Labcorp
Classification: Benign. Last evaluated: 2026-01-15. Review status: criteria provided, single submitter. Criteria: Invitae Variant Classification Sherloc (09022015). Collection method: clinical testing. Allele origin: germline.

ARUP Laboratories, Molecular Genetics and Genomics, ARUP Laboratories
Classification: Likely benign for Maturity-onset diabetes of the young type 14. Last evaluated: 2024-06-13. Review status: criteria provided, single submitter. Criteria: ARUP Molecular Germline Variant Investigation Process 2024. Collection method: clinical testing. Allele origin: germline.

Genetic Services Laboratory, University of Chicago
Classification: Benign. Last evaluated: 2019-10-14. Review status: criteria provided, single submitter. Criteria: ACMG Guidelines, 2015. Collection method: clinical testing. Allele origin: germline. Affected: no.

PreventionGenetics, part of Exact Sciences
Classification: Benign for APPL1-related condition. Last evaluated: 2020-07-06. Review status: no assertion criteria provided. Collection method: clinical testing. Allele origin: germline. Not counted in ClinVar's aggregate classification.
Comment: This variant is classified as benign based on ACMG/AMP sequence variant interpretation guidelines (Richards et al. 2015 PMID: 25741868, with internal and published modifications).

NM_012096.3(APPL1):c.200A>G (p.Glu67Gly)

Gene: APPL1 (adaptor protein, phosphotyrosine interacting with PH domain and leucine zipper 1; plus strand). Cytogenetic location: 3p14.3.
Variant type: single nucleotide variant.
Coding change: c.200A>G on transcript NM_012096.3 (MANE Select); coding-DNA position 200, A replaced by G.
Protein change: p.Glu67Gly; replaces glutamic acid 67 with glycine.
Molecular consequence: missense variant.
Genome position (GRCh38, 1-based): chr3:57,237,538, A>G. VCF-style: chr3-57237538-A-G. GRCh37 (hg19) VCF-style: chr3-57271566-A-G.
Other names: short protein forms E67G.
Identifiers: ClinVar variation 1336573 (VCV001336573.14), dbSNP rs141978531, ClinGen allele CA2463427.
Genomic context (GRCh38, chr3:57,237,538, plus strand): 5'-TGCTTTTTCCATAGAATGAATTAAGTGCAGCAACACACCTGACCTCAAAACTTTTAAAAG[A>G]ATATGAAAAACAGGTATTGTATATCAAAGTTTTAAAAGCATAATTTTAAAAGTATAGTAT-3'
Protein context (NP_036228.1, residues 57-77): ATHLTSKLLK[Glu67Gly]YEKQRFPLGG